The following is an entry in ClinVar:

ClinVar aggregate classification (germline): Conflicting classifications of pathogenicity. Review status: criteria provided, conflicting classifications (1 of 4 stars). 7 submissions from 7 submitters: Uncertain significance (5); Likely benign (2). Last evaluated 2025-08-01.

Conditions:
Cardiomyopathy (CMYO). Also called: Cardiomyopathies. Identifiers: Orphanet 167848, MedGen C0878544, MONDO:0004994, HP:0001638. Inheritance: Various modes of inheritance.
Autosomal recessive limb-girdle muscular dystrophy type 2J (LGMDR10). Also called: MUSCULAR DYSTROPHY, LIMB-GIRDLE, AUTOSOMAL RECESSIVE 10; Limb-girdle muscular dystrophy, type 2J. Identifiers: Orphanet 140922, MedGen C1837342, MONDO:0012127, OMIM 608807.
Dilated cardiomyopathy 1G (CMD1G). Identifiers: Orphanet 154, MedGen C1858763, MONDO:0011400, OMIM 604145.

Allele frequency attached by ClinVar (database versions not stated): gnomAD exomes 0.00001 and 0.00005; ExAC 0.00002; gnomAD 0.00006; TOPMed 0.00009.
gnomAD v4.1: 30 of 1,574,140 alleles (0.0019%); highest among the groups gnomAD compares: Admixed American, 0.028%; no homozygotes.

Submissions (7):

Mayo Clinic Laboratories, Mayo Clinic
Classification: Uncertain significance. Last evaluated: 2025-08-01. Review status: criteria provided, single submitter. Criteria: ACMG Guidelines, 2015. Collection method: clinical testing. Allele origin: germline. Observed: 1 variant allele.

Molecular Diagnostic Laboratory for Inherited Cardiovascular Disease, Montreal Heart Institute
Classification: Likely benign. Last evaluated: 2025-04-09. Review status: criteria provided, single submitter. Criteria: ACMG Guidelines, 2015. Collection method: clinical testing. Allele origin: germline. Affected: no.
Comment: BP1

Revvity Omics, Revvity
Classification: Uncertain significance. Last evaluated: 2024-04-16. Review status: criteria provided, single submitter. Criteria: ACMG Guidelines, 2015. Collection method: clinical testing. Allele origin: germline.

CHEO Genetics Diagnostic Laboratory, Children's Hospital of Eastern Ontario
Classification: Uncertain significance for Cardiomyopathy. Last evaluated: 2021-08-06. Review status: criteria provided, single submitter. Criteria: ACMG Guidelines, 2015. Collection method: clinical testing. Allele origin: germline.

GeneDx
Classification: Likely benign. Last evaluated: 2021-03-23. Review status: criteria provided, single submitter. Criteria: GeneDx Variant Classification Process June 2021. Collection method: clinical testing. Allele origin: germline. Affected: yes.
Comment: See Variant Classification Assertion Criteria.

Labcorp Genetics (formerly Invitae), Labcorp
Classification: Uncertain significance for Dilated cardiomyopathy 1G; Autosomal recessive limb-girdle muscular dystrophy type 2J. Last evaluated: 2017-10-02. Review status: criteria provided, single submitter. Criteria: Invitae Variant Classification Sherloc (09022015). Collection method: clinical testing. Allele origin: germline.

Eurofins Ntd Llc (ga)
Classification: Uncertain significance. Last evaluated: 2017-03-31. Review status: criteria provided, single submitter. Criteria: EGL Classification Definitions 2015. Collection method: clinical testing. Allele origin: germline. Observed: 1 variant allele, 1 heterozygote.

Literature cited by the submitters: PubMed 32039858 (cited by Mayo Clinic Laboratories, Mayo Clinic).

NM_001267550.2(TTN):c.55784C>G (p.Thr18595Arg)

Genes: TTN-AS1 (TTN antisense RNA 1; plus strand), TTN (titin; minus strand). Cytogenetic location: 2q31.2.
Variant type: single nucleotide variant.
Coding change: c.55784C>G on transcript NM_001267550.2 (MANE Select); coding-DNA position 55784, C replaced by G.
Protein change: p.Thr18595Arg; replaces threonine 18595 with arginine.
Molecular consequence: missense variant.
Genome position (GRCh38, 1-based): chr2:178,601,120, G>C on the plus strand (C>G on the coding strand, the complement: TTN is on the minus strand). VCF-style: chr2-178601120-G-C. GRCh37 (hg19) VCF-style: chr2-179465847-G-C.
Other names: p.Thr16954Arg; c.55784C>G (NM_001267550.1); c.50861C>G, p.Thr16954Arg (NM_001256850.1); c.28589C>G, p.Thr9530Arg (NM_003319.4); c.48080C>G, p.Thr16027Arg (NM_133378.4); c.28964C>G, p.Thr9655Arg (NM_133432.3); c.29165C>G, p.Thr9722Arg (NM_133437.4); short protein forms T16027R, T18595R, T16954R, T9655R, T9530R, T9722R.
Identifiers: ClinVar variation 501103 (VCV000501103.15), dbSNP rs770499179, ClinGen allele CA1993387.
Genomic context (GRCh38, chr2:178,601,120, plus strand): 5'-ATATAGTGGGTAACAGGGGAGCCCCCATCATTCTTCGGGGGTTTCCATGACAGATGCACT[G>C]TGTTCTTTGTGATGAGGCCAATCTTGAGTTTAATAGGAGGATCAGGAGGATCTGTAAAAA-3'
Protein context (NP_001254479.2, residues 18585-18605): KLKIGLITKN[Thr18595Arg]VHLSWKPPKN